The following is an entry in ClinVar:

NM_001042424.3(NSD2):c.851T>C (p.Phe284Ser)

Gene: NSD2 (nuclear receptor binding SET domain protein 2; plus strand). Cytogenetic location: 4p16.3.
Variant type: single nucleotide variant.
Coding change: c.851T>C on transcript NM_001042424.3 (MANE Select); coding-DNA position 851, T replaced by C.
Protein change: p.Phe284Ser; replaces phenylalanine 284 with serine.
Molecular consequence: missense variant.
Genome position (GRCh38, 1-based): chr4:1,916,961, T>C. VCF-style: chr4-1916961-T-C. GRCh37 (hg19) VCF-style: chr4-1918688-T-C.
Other names: c.851T>C, p.Phe284Ser (NM_007331.2, NM_133330.3, NM_133331.3 and 2 more transcripts); short protein forms F284S.
Identifiers: ClinVar variation 1310619 (VCV001310619.2), dbSNP rs2108800317, ClinGen allele CA356001829.
Genomic context (GRCh38, chr4:1,916,961, plus strand): 5'-TACAGTTCTTTGGTGACGCCCCAGAAAGAGCTTGGATATTTGAGAAGAGCCTCGTAGCTT[T>C]TGAAGGAGAAGGACAGTTTGAAAAATTATGCCAGGAAAGTGCCAAGCAGGCACCCACGAA-3'
Protein context (NP_001035889.1, residues 274-294): AWIFEKSLVA[Phe284Ser]EGEGQFEKLC

ClinVar aggregate classification (germline): Uncertain significance (1 of 4 stars; one submission).

Submission:

GeneDx
Classification: Uncertain significance. Last evaluated: 2019-12-04. Review status: criteria provided, single submitter. Criteria: GeneDx Variant Classification Process June 2021. Collection method: clinical testing. Allele origin: germline. Affected: yes.
Comment: Not observed in large population cohorts (Lek et al., 2016); In silico analysis, which includes protein predictors and evolutionary conservation, supports a deleterious effect; Has not been previously published as pathogenic or benign to our knowledge